The following is an entry in ClinVar:

ClinVar aggregate classification (germline): Uncertain significance (1 of 4 stars; one submission).

gnomAD v4.1: 1 of 1,613,934 alleles (0.000062%); highest among the groups gnomAD compares: Non-Finnish European, 0.000085%; no homozygotes.

Submission:

GeneDx
Classification: Uncertain significance. Last evaluated: 2026-04-14. Review status: criteria provided, single submitter. Criteria: GeneDx Variant Classification Process June 2021. Collection method: clinical testing. Allele origin: germline.
Comment: Not observed at significant frequency in large population cohorts (gnomAD); In silico analysis supports that this missense variant has a deleterious effect on protein structure/function; Has not been previously published as pathogenic or benign to our knowledge

NM_000020.3(ACVRL1):c.1404G>A (p.Met468Ile)

Gene: ACVRL1 (activin A receptor like type 1; plus strand). Cytogenetic location: 12q13.13.
Variant type: single nucleotide variant.
Coding change: c.1404G>A on transcript NM_000020.3 (MANE Select); coding-DNA position 1404, G replaced by A.
Protein change: p.Met468Ile; replaces methionine 468 with isoleucine.
Molecular consequence: missense variant.
Genome position (GRCh38, 1-based): chr12:51,920,785, G>A. VCF-style: chr12-51920785-G-A. GRCh37 (hg19) VCF-style: chr12-52314569-G-A.
Other names: c.1404G>A, p.Met468Ile (NM_001077401.2, NM_001406487.1); c.1248G>A, p.Met416Ile (NM_001406490.1); c.1092G>A, p.Met364Ile (NM_001406491.1, NM_001406492.1); c.894G>A, p.Met298Ile (NM_001406494.1); c.840G>A, p.Met280Ile (NM_001406495.1); short protein forms M280I, M298I, M364I, M416I, M468I.
Identifiers: ClinVar variation 5036990 (VCV005036990.1).